The following is an entry in ClinVar:

ClinVar aggregate classification (germline): Likely benign. Review status: criteria provided, multiple submitters, no conflicts (2 of 4 stars). 5 submissions from 5 submitters: Likely benign (3). 2 of the submissions do not count toward it. Last evaluated 2025-09-25.

Conditions:
Intellectual disability. Also called: Intellectual functioning disability; Intellectual developmental disorder; intellectual disabilities. Identifiers: MedGen C3714756, MeSH D008607, MONDO:0001071, HP:0001249.
Inborn genetic diseases. Identifiers: MedGen C0950123, MeSH D030342.
CHD8-related disorder. Also called: CHD8-related disorders; CHD8-related condition.

Allele frequency attached by ClinVar (database versions not stated): ESP Exome Variant Server 0.00024; TOPMed 0.00019; 1000 Genomes Project 0.00040; 1000 Genomes Project 30x 0.00047; gnomAD exomes 0.00004 and 0.00001; ExAC 0.00012; gnomAD 0.00017.
gnomAD v4.1: 43 of 1,588,642 alleles (0.0027%); highest among the groups gnomAD compares: African/African-American, 0.054%; no homozygotes.

Submissions (5):

Ambry Genetics
Classification: Likely benign for Inborn genetic diseases. Last evaluated: 2025-09-25. Review status: criteria provided, single submitter. Criteria: Ambry Variant Classification Scheme 2023. Collection method: clinical testing. Allele origin: germline.

Labcorp Genetics (formerly Invitae), Labcorp
Classification: Likely benign. Last evaluated: 2025-04-09. Review status: criteria provided, single submitter. Criteria: Invitae Variant Classification Sherloc (09022015). Collection method: clinical testing. Allele origin: germline.

GeneDx
Classification: Likely benign. Last evaluated: 2021-03-02. Review status: criteria provided, single submitter. Criteria: GeneDx Variant Classification Process June 2021. Collection method: clinical testing. Allele origin: germline. Affected: yes.

PreventionGenetics, part of Exact Sciences
Classification: Likely benign for CHD8-related condition. Last evaluated: 2022-09-08. Review status: no assertion criteria provided. Collection method: clinical testing. Allele origin: germline. Not counted in ClinVar's aggregate classification.
Comment: This variant is classified as likely benign based on ACMG/AMP sequence variant interpretation guidelines (Richards et al. 2015 PMID: 25741868, with internal and published modifications).

Centre de Biologie Pathologie Génétique, Centre Hospitalier Universitaire de Lille
Classification: Likely benign for Intellectual disability. Last evaluated: 2019-01-01. Review status: no assertion criteria provided. Collection method: clinical testing. Allele origin: inherited. Affected: yes. Not counted in ClinVar's aggregate classification.

NM_001170629.2(CHD8):c.7297A>G (p.Met2433Val)

Gene: CHD8 (chromodomain helicase DNA binding protein 8; minus strand). Cytogenetic location: 14q11.2.
Variant type: single nucleotide variant.
Coding change: c.7297A>G on transcript NM_001170629.2 (MANE Select); coding-DNA position 7297, A replaced by G.
Protein change: p.Met2433Val; replaces methionine 2433 with valine.
Molecular consequence: missense variant.
Genome position (GRCh38, 1-based): chr14:21,386,062, T>C on the plus strand (A>G on the coding strand, the complement: CHD8 is on the minus strand). VCF-style: chr14-21386062-T-C. GRCh37 (hg19) VCF-style: chr14-21854221-T-C.
Other names: c.6460A>G, p.Met2154Val (NM_020920.4); short protein forms M2154V, M2433V.
Identifiers: ClinVar variation 975203 (VCV000975203.11), dbSNP rs376775890, ClinGen allele CA7090559.
Genomic context (GRCh38, chr14:21,386,062, plus strand): 5'-CACTACTGCTGTGTTGGAACGTGTTATGCAGAGATAGAGACCCAGTGCTTCCACCCTGCA[T>C]GAGGGCCATCATCTTAGAAAGGTCTGGTCGCATCCTACGGGCCCGCTTCTTGCTGCTCTC-3'
Protein context (NP_001164100.1, residues 2423-2443): RPDLSKMMAL[Met2433Val]QGGSTGSLSL